The following is an entry in ClinVar:

NM_001367721.1(CASK):c.2452A>T (p.Thr818Ser)

Gene: CASK (calcium/calmodulin dependent serine protein kinase; minus strand). Cytogenetic location: Xp11.4.
Variant type: single nucleotide variant.
Coding change: c.2452A>T on transcript NM_001367721.1 (MANE Select); coding-DNA position 2452, A replaced by T.
Protein change: p.Thr818Ser; replaces threonine 818 with serine.
Molecular consequence: missense variant.
Genome position (GRCh38, 1-based): chrX:41,531,075, T>A on the plus strand (A>T on the coding strand, the complement: CASK is on the minus strand). VCF-style: chrX-41531075-T-A. GRCh37 (hg19) VCF-style: chrX-41390328-T-A.
Other names: c.2368A>T, p.Thr790Ser (NM_001126054.3); c.2365A>T, p.Thr789Ser (NM_001126055.3); c.2434A>T, p.Thr812Ser (NM_001410745.1); c.2437A>T, p.Thr813Ser (NM_003688.4); short protein forms T789S, T790S, T813S, T818S, T812S.
Identifiers: ClinVar variation 1693073 (VCV001693073.3), dbSNP rs2147085972, ClinGen allele CA412990146.
Genomic context (GRCh38, chrX:41,531,075, plus strand): 5'-CCACGTCCAGTATTGCAATCAGCCCCTGCTCGTGGATCTTCCGGATGGTCTCCAGTTTTG[T>A]CCCATACATCGCATCCTCGTGGCTGCCGTACTCCAAGTACTCGTTATTAGAGATGTCTTG-3'
Protein context (NP_001354650.1, residues 808-828): YGSHEDAMYG[Thr818Ser]KLETIRKIHE

ClinVar aggregate classification (germline): Uncertain significance (1 of 4 stars; one submission).

Submission:

GeneDx
Classification: Uncertain significance. Last evaluated: 2024-07-08. Review status: criteria provided, single submitter. Criteria: GeneDx Variant Classification Process June 2021. Collection method: clinical testing. Allele origin: germline. Affected: yes.
Comment: Not observed at significant frequency in large population cohorts (gnomAD); In silico analysis supports that this missense variant has a deleterious effect on protein structure/function; Has not been previously published as pathogenic or benign to our knowledge